The following is an entry in ClinVar:

ClinVar aggregate classification (germline): Benign/Likely benign. Review status: criteria provided, multiple submitters, no conflicts (2 of 4 stars). 2 submissions from 2 submitters: Benign (1); Likely benign (1). Last evaluated 2025-07-14.

Conditions:
Lynch syndrome 4 (LYNCH4). Also called: Colorectal cancer, hereditary nonpolyposis, type 4; Hereditary non-polyposis colorectal cancer, type 4. Identifiers: Orphanet 144, MedGen C1838333, MONDO:0013699, OMIM 614337. Disease mechanism: loss of function.
Hereditary cancer-predisposing syndrome. Also called: Hereditary Cancer Syndrome; Hereditary neoplastic syndrome; Neoplastic Syndromes, Hereditary; Tumor predisposition. Identifiers: Orphanet 140162, MedGen C0027672, MeSH D009386, MONDO:0015356.

Submissions (2):

Color Diagnostics, LLC DBA Color Health
Classification: Likely benign for Hereditary cancer-predisposing syndrome. Last evaluated: 2025-07-14. Review status: criteria provided, single submitter. Criteria: ACMG Guidelines, 2015. Collection method: clinical testing. Allele origin: germline.

Myriad Genetics, Inc.
Classification: Benign for Lynch syndrome 4. Last evaluated: 2025-01-28. Review status: criteria provided, single submitter. Criteria: Myriad Autosomal Dominant, Autosomal Recessive and X-Linked Classification Criteria (2023). Collection method: clinical testing. Allele origin: unknown.
Comment: This variant is considered benign. This variant is a silent/synonymous amino acid change and it is not expected to impact splicing.

NM_000535.7(PMS2):c.897A>T (p.Pro299=)

Gene: PMS2 (PMS1 homolog 2, mismatch repair system component; minus strand). Cytogenetic location: 7p22.1.
Variant type: single nucleotide variant.
Coding change: c.897A>T on transcript NM_000535.7 (MANE Select); coding-DNA position 897, A replaced by T.
Protein change: p.Pro299=; no amino-acid change (proline 299 retained).
Molecular consequence: synonymous variant. On other transcripts: 5 prime UTR variant (2), non-coding transcript variant (1), intron variant (4).
Genome position (GRCh38, 1-based): chr7:5,995,540, T>A on the plus strand (A>T on the coding strand, the complement: PMS2 is on the minus strand). VCF-style: chr7-5995540-T-A. GRCh37 (hg19) VCF-style: chr7-6035171-T-A.
Other names: c.492A>T, p.Pro164= (NM_001322003.2, NM_001322004.2, NM_001322005.2 and 19 more transcripts); c.897A>T, p.Pro299= (NM_001322006.2, NM_001322014.2, NM_001406870.1 and 2 more transcripts); c.579A>T, p.Pro193= (NM_001322007.2, NM_001322008.2, NM_001406876.1 and 4 more transcripts); c.-37A>T (NM_001322011.2, NM_001322012.2); c.324A>T, p.Pro108= (NM_001322013.2, NM_001406909.1); c.588A>T, p.Pro196= (NM_001322015.2, NM_001406875.1, NM_001406877.1 and 6 more transcripts); c.1083A>T, p.Pro361= (NM_001406866.1); c.921A>T, p.Pro307= (NM_001406868.1); and 8 more.
Identifiers: ClinVar variation 3904059 (VCV003904059.2).
Genomic context (GRCh38, chr7:5,995,540, plus strand): 5'-CAATTAAAAGTCAAAGGCATAAAGAACAAACTAACACAAAAAAATTTTAAATACCTTTGC[T>A]GGGTCACAAGGCCGCCGGTTGATAAAGAAAAACTGTCTGTCTGTTGAACTCCTTCCAACT-3'
Protein context (NP_000526.2, residues 289-309): FFFINRRPCD[Pro299=]AKVCRLVNEV